The following is an entry in ClinVar:

NM_000297.4(PKD2):c.1003C>T (p.Gln335Ter)

Gene: PKD2 (polycystin 2, transient receptor potential cation channel; plus strand). Cytogenetic location: 4q22.1.
Variant type: single nucleotide variant.
Coding change: c.1003C>T on transcript NM_000297.4 (MANE Select); coding-DNA position 1003, C replaced by T.
Protein change: p.Gln335Ter; replaces glutamine 335 with a stop codon.
Molecular consequence: nonsense. On other transcripts: non-coding transcript variant (1).
Genome position (GRCh38, 1-based): chr4:88,038,410, C>T. VCF-style: chr4-88038410-C-T. GRCh37 (hg19) VCF-style: chr4-88959562-C-T.
Other names: c.1003C>T (NM_000297.3); short protein forms Q335*.
Identifiers: ClinVar variation 3391083 (VCV003391083.2).

ClinVar aggregate classification (germline): Pathogenic. Review status: criteria provided, multiple submitters, no conflicts (2 of 4 stars). 2 submissions from 2 submitters: Pathogenic (2). Last evaluated 2026-03-02.

Conditions:
PKD2-related disorder. Also called: PKD2-related condition.
Polycystic kidney disease 2 (PKD2). Also called: Polycystic Kidney Disease 2, Autosomal Dominant; POLYCYSTIC KIDNEY DISEASE, ADULT, TYPE II; POLYCYSTIC KIDNEY DISEASE 2 WITH OR WITHOUT POLYCYSTIC LIVER DISEASE. Identifiers: MedGen C2751306, MONDO:0013131, OMIM 613095.

Submissions (2):

PreventionGenetics, part of Exact Sciences
Classification: Pathogenic for PKD2-related condition. Last evaluated: 2026-03-02. Review status: criteria provided, single submitter. Criteria: ACMG Guidelines, 2015. Collection method: clinical testing. Allele origin: germline.
Comment: The PKD2 c.1003C>T variant is predicted to result in premature protein termination (p.Gln335*). This variant was reported in an individual with polycystic kidney disease (PKD) (Table S3, Ganapathy et al. 2019. PubMed ID: 31069529). This variant has not been reported in a large population database (gnomAD), indicating this variant is rare. Nonsense variants in PKD2 are expected to be pathogenic. This variant is interpreted as pathogenic.

Genomic Medicine Center of Excellence, King Faisal Specialist Hospital and Research Centre
Classification: Pathogenic for Polycystic kidney disease 2. Last evaluated: 2024-12-18. Review status: criteria provided, single submitter. Criteria: ACMG Guidelines, 2015. Collection method: clinical testing. Allele origin: germline.